The following is an entry in ClinVar:

ClinVar aggregate classification (germline): Likely benign. Review status: criteria provided, multiple submitters, no conflicts (2 of 4 stars). 5 submissions from 5 submitters: Likely benign (5). Last evaluated 2025-10-07.

Conditions:
Cardiovascular phenotype. Identifiers: MedGen CN230736.
Autosomal recessive limb-girdle muscular dystrophy type 2J (LGMDR10). Also called: Limb-girdle muscular dystrophy, type 2J; MUSCULAR DYSTROPHY, LIMB-GIRDLE, AUTOSOMAL RECESSIVE 10. Identifiers: Orphanet 140922, MedGen C1837342, MONDO:0012127, OMIM 608807.
Dilated cardiomyopathy 1G (CMD1G). Identifiers: Orphanet 154, MedGen C1858763, MONDO:0011400, OMIM 604145.
Hypertrophic cardiomyopathy 9. Also called: Familial hypertrophic cardiomyopathy 9. Identifiers: MedGen C1861065, MONDO:0013412, OMIM 613765.
Early-onset myopathy with fatal cardiomyopathy (CMYO5). Also called: Salih Myopathy; CONGENITAL MYOPATHY 5 WITH CARDIOMYOPATHY. Identifiers: Orphanet 289377, MedGen C2673677, MONDO:0012714, OMIM 611705. Disease mechanism: loss of function.
Tibial muscular dystrophy (TMD). Also called: Tibial muscular dystrophy, tardive; UDD MYOPATHY; Udd Distal Myopathy – Tibial Muscular Dystrophy. Identifiers: Orphanet 609, MedGen C1838244, MONDO:0010870, OMIM 600334.
Myopathy, myofibrillar, 9, with early respiratory failure (MFM9). Also called: MYOPATHY, PROXIMAL, WITH EARLY RESPIRATORY MUSCLE INVOLVEMENT; Hereditary myopathy with early respiratory failure; EDSTROM MYOPATHY; Myopathy, distal, with early respiratory failure, autosomal dominant. Identifiers: Orphanet 178464, Orphanet 34521, MedGen C1863599, MONDO:0011362, OMIM 603689.

Allele frequency attached by ClinVar (database versions not stated): gnomAD exomes 0.00001; ExAC 0.00002; gnomAD 0.00002; TOPMed 0.00006.
gnomAD v4.1: 11 of 1,614,048 alleles (0.00068%); highest among the groups gnomAD compares: South Asian, 0.0011%; no homozygotes.

Submissions (5):

Labcorp Genetics (formerly Invitae), Labcorp
Classification: Likely benign for Dilated cardiomyopathy 1G; Autosomal recessive limb-girdle muscular dystrophy type 2J. Last evaluated: 2025-10-07. Review status: criteria provided, single submitter. Criteria: Invitae Variant Classification Sherloc (09022015). Collection method: clinical testing. Allele origin: germline.

Ambry Genetics
Classification: Likely benign for Cardiovascular phenotype. Last evaluated: 2023-09-06. Review status: criteria provided, single submitter. Criteria: Ambry Variant Classification Scheme 2023. Collection method: clinical testing. Allele origin: germline.

Blueprint Genetics
Classification: Likely benign. Last evaluated: 2023-03-07. Review status: criteria provided, single submitter. Criteria: ACMG Guidelines, 2015. Collection method: clinical testing. Allele origin: germline.

Fulgent Genetics
Classification: Likely benign for Tibial muscular dystrophy; Myopathy, myofibrillar, 9, with early respiratory failure; Dilated cardiomyopathy 1G; Autosomal recessive limb-girdle muscular dystrophy type 2J; Early-onset myopathy with fatal cardiomyopathy; Hypertrophic cardiomyopathy 9. Last evaluated: 2021-11-16. Review status: criteria provided, single submitter. Criteria: ACMG Guidelines, 2015. Collection method: clinical testing. Allele origin: unknown.

GeneDx
Classification: Likely benign. Last evaluated: 2017-01-23. Review status: criteria provided, single submitter. Criteria: GeneDx Variant Classification (06012015). Collection method: clinical testing. Allele origin: germline. Affected: yes.
Comment: This variant is considered likely benign or benign based on one or more of the following criteria: it is a conservative change, it occurs at a poorly conserved position in the protein, it is predicted to be benign by multiple in silico algorithms, and/or has population frequency not consistent with disease.

NM_001267550.2(TTN):c.1332C>T (p.Ser444=)

Gene: TTN (titin; minus strand). Cytogenetic location: 2q31.2.
Variant type: single nucleotide variant.
Coding change: c.1332C>T on transcript NM_001267550.2 (MANE Select); coding-DNA position 1332, C replaced by T.
Protein change: p.Ser444=; no amino-acid change (serine 444 retained).
Molecular consequence: synonymous variant.
Genome position (GRCh38, 1-based): chr2:178,794,465, G>A on the plus strand (C>T on the coding strand, the complement: TTN is on the minus strand). VCF-style: chr2-178794465-G-A. GRCh37 (hg19) VCF-style: chr2-179659192-G-A.
Other names: c.1332C>T, p.Ser444= (NM_003319.4, NM_133378.4, NM_133379.5 and 3 more transcripts).
Identifiers: ClinVar variation 413125 (VCV000413125.16), dbSNP rs759520186, ClinGen allele CA2006082.